The following is an entry in ClinVar:

ClinVar aggregate classification (germline): Benign/Likely benign. Review status: criteria provided, multiple submitters, no conflicts (2 of 4 stars). 10 submissions from 10 submitters: Benign (1); Likely benign (7). 2 of the submissions do not count toward it. Last evaluated 2026-01-03.

Conditions:
GAA-related disorder. Also called: GAA-related condition.
Cardiovascular phenotype. Identifiers: MedGen CN230736.
Glycogen storage disease, type II (IOPD). Also called: Glycogen storage disease type 2; Acid maltase deficiency disease; Aglucosidase alfa; Deficiency of alpha-glucosidase; Deficiency of lysosomal alpha-glucosidase; CARDIOMEGALIA GLYCOGENICA DIFFUSA. Identifiers: Orphanet 365, MedGen C0017921, MONDO:0009290, OMIM 232300.

Allele frequency attached by ClinVar (database versions not stated): gnomAD exomes 0.00005; TOPMed 0.00005; ExAC 0.00006; gnomAD 0.00006.
gnomAD v4.1: 170 of 1,612,482 alleles (0.011%); highest among the groups gnomAD compares: Middle Eastern, 0.083%; 2 homozygotes.

Submissions (10):

Labcorp Genetics (formerly Invitae), Labcorp
Classification: Benign for Glycogen storage disease, type II. Last evaluated: 2026-01-03. Review status: criteria provided, single submitter. Criteria: Invitae Variant Classification Sherloc (09022015). Collection method: clinical testing. Allele origin: germline.

CeGaT Center for Human Genetics Tuebingen
Classification: Likely benign. Last evaluated: 2025-08-01. Review status: criteria provided, single submitter. Criteria: CeGaT Center For Human Genetics Tuebingen Variant Classification Criteria Version 2. Collection method: clinical testing. Allele origin: germline. Affected: yes. Observed: 4 variant alleles.
Comment: GAA: BP4, BP7

Blueprint Genetics
Classification: Likely benign. Last evaluated: 2024-01-19. Review status: criteria provided, single submitter. Criteria: ACMG Guidelines, 2015. Collection method: clinical testing. Allele origin: germline.

Ambry Genetics
Classification: Likely benign for Cardiovascular phenotype. Last evaluated: 2022-06-27. Review status: criteria provided, single submitter. Criteria: Ambry Variant Classification Scheme 2023. Collection method: clinical testing. Allele origin: germline.

Genome-Nilou Lab
Classification: Likely benign for Glycogen storage disease, type II. Last evaluated: 2021-07-22. Review status: criteria provided, single submitter. Criteria: ACMG Guidelines, 2015. Collection method: clinical testing. Allele origin: germline. Affected: no.

Pars Genome Lab
Classification: Likely benign for Glycogen storage disease, type II. Last evaluated: 2021-05-18. Review status: criteria provided, single submitter. Criteria: ACMG Guidelines, 2015. Collection method: clinical testing. Allele origin: germline. Affected: no.

Broad Center for Mendelian Genomics, Broad Institute of MIT and Harvard
Classification: Likely benign for Glycogen storage disease, type II. Last evaluated: 2020-01-22. Review status: criteria provided, single submitter. Criteria: ACMG Guidelines, 2015. Collection method: curation. Allele origin: germline. Inheritance: Autosomal recessive inheritance.
Comment: The c.318C>T (p.Arg106=) variant in GAA has not been previously reported in individuals with Glycogen Storage Disease II but has been reported as a VUS by EGL Genetic Diagnostics, a likely benign variant by GeneDx, and a benign variant by Invitae in ClinVar (Variation ID: 195019). This variant has been identified in 0.010% (13/126514) of European (non-Finnish) chromosomes, including 2 homozygotes, by the Genome Aggregation Database (gnomAD; dbSNP rs762542246). Although this variant has been seen in the general population, its frequency is low enough to be consistent with a recessive carrier frequency. Computational prediction tools and conservation analyses suggest that this variant may not impact the protein, though this information is not predictive enough to rule out pathogenicity. However, novel synonymous variants supported by computational evidence without raised suspicion for an impact are likely benign (Richards 2015). In summary, although additional studies are required to fully establish its clinical significance, this variant is likely benign. ACMG/AMP Criteria applied: PM2, BP4, BP7 (Richards 2015).

GeneDx
Classification: Likely benign. Last evaluated: 2018-12-28. Review status: criteria provided, single submitter. Criteria: GeneDx Variant Classification Process June 2021. Collection method: clinical testing. Allele origin: germline. Affected: yes.

PreventionGenetics, part of Exact Sciences
Classification: Likely benign for GAA-related condition. Last evaluated: 2020-09-29. Review status: no assertion criteria provided. Collection method: clinical testing. Allele origin: germline. Not counted in ClinVar's aggregate classification.
Comment: This variant is classified as likely benign based on ACMG/AMP sequence variant interpretation guidelines (Richards et al. 2015 PMID: 25741868, with internal and published modifications).

Eurofins Ntd Llc (ga)
Classification: Uncertain significance. Last evaluated: 2016-12-02. Review status: flagged submission. Criteria: EGL Classification Definitions 2015. Collection method: clinical testing. Allele origin: germline. Observed: 4 variant alleles, 4 heterozygotes. Not counted in ClinVar's aggregate classification.
ClinVar note: Reason: Older and outlier claim with insufficient supporting evidence

NM_000152.5(GAA):c.318C>T (p.Arg106=)

Gene: GAA (alpha glucosidase; plus strand). Cytogenetic location: 17q25.3.
Variant type: single nucleotide variant.
Coding change: c.318C>T on transcript NM_000152.5 (MANE Select); coding-DNA position 318, C replaced by T.
Protein change: p.Arg106=; no amino-acid change (arginine 106 retained).
Molecular consequence: synonymous variant.
Genome position (GRCh38, 1-based): chr17:80,104,904, C>T. VCF-style: chr17-80104904-C-T. GRCh37 (hg19) VCF-style: chr17-78078703-C-T.
Other names: c.318C>T (LRG_673t1, NM_000152.4); c.318C>T, p.Arg106= (NM_001079803.3, NM_001079804.3).
Identifiers: ClinVar variation 195019 (VCV000195019.51), dbSNP rs762542246, ClinGen allele CA241288.